The following is an entry in ClinVar:

ClinVar aggregate classification (germline): Uncertain significance (1 of 4 stars; one submission).

Conditions:
Familial focal epilepsy with variable foci (FPEVF). Identifiers: Orphanet 98820, MedGen C1858477, MONDO:0020310.

gnomAD v4.1: 2 of 1,614,066 alleles (0.00012%); highest among the groups gnomAD compares: African/African-American, 0.0027%; no homozygotes.

Submission:

Labcorp Genetics (formerly Invitae), Labcorp
Classification: Uncertain significance for Familial focal epilepsy with variable foci. Last evaluated: 2024-10-27. Review status: criteria provided, single submitter. Criteria: Invitae Variant Classification Sherloc (09022015). Collection method: clinical testing. Allele origin: germline.
Comment: This sequence change replaces phenylalanine, which is neutral and non-polar, with leucine, which is neutral and non-polar, at codon 467 of the DEPDC5 protein (p.Phe467Leu). This variant is not present in population databases (gnomAD no frequency). This variant has not been reported in the literature in individuals affected with DEPDC5-related conditions. Experimental studies and prediction algorithms are not available or were not evaluated, and the functional significance of this variant is currently unknown. In summary, the available evidence is currently insufficient to determine the role of this variant in disease. Therefore, it has been classified as a Variant of Uncertain Significance.

NM_001242896.3(DEPDC5):c.1399T>C (p.Phe467Leu)

Gene: DEPDC5 (DEP domain containing 5, GATOR1 subcomplex subunit; plus strand). Cytogenetic location: 22q12.3.
Variant type: single nucleotide variant.
Coding change: c.1399T>C on transcript NM_001242896.3 (MANE Select); coding-DNA position 1399, T replaced by C.
Protein change: p.Phe467Leu; replaces phenylalanine 467 with leucine.
Molecular consequence: missense variant. On other transcripts: non-coding transcript variant (5).
Genome position (GRCh38, 1-based): chr22:31,810,595, T>C. VCF-style: chr22-31810595-T-C. GRCh37 (hg19) VCF-style: chr22-32206581-T-C.
Other names: c.1399T>C, p.Phe467Leu (NM_001007188.4, NM_001136029.4, NM_001242897.2 and 7 more transcripts); c.1315T>C, p.Phe439Leu (NM_001369901.1, NM_001369902.1); short protein forms F467L, F439L.
Identifiers: ClinVar variation 3686390 (VCV003686390.2).